The following is an entry in ClinVar:

ClinVar aggregate classification (germline): Likely pathogenic. Review status: criteria provided, multiple submitters, no conflicts (2 of 4 stars). 2 submissions from 2 submitters: Likely pathogenic (2). Last evaluated 2025-03-11.

Conditions:
Severe X-linked myotubular myopathy (CNMX). Also called: MYOTUBULAR MYOPATHY 1; Myotubular myopathy, X-linked; X-linked centronuclear myopathy. Identifiers: Orphanet 596, MedGen C0410203, MONDO:0010683, OMIM 310400.

Allele frequency attached by ClinVar (database versions not stated): TOPMed below 0.00001.

Submissions (2):

GeneDx
Classification: Likely pathogenic. Last evaluated: 2025-03-11. Review status: criteria provided, single submitter. Criteria: GeneDx Variant Classification Process June 2021. Collection method: clinical testing. Allele origin: germline. Affected: yes.
Comment: Canonical splice site variant predicted to result in an in-frame loss of the adjacent exon in a gene for which loss of function is a known mechanism of disease; Not observed at significant frequency in large population cohorts (gnomAD); Deletions involving coding exons of this gene are a known mechanism of disease (HGMD); Has not been previously published as pathogenic or benign to our knowledge

Baylor Genetics
Classification: Likely pathogenic for Severe X-linked myotubular myopathy. Last evaluated: 2022-05-30. Review status: criteria provided, single submitter. Criteria: ACMG Guidelines, 2015. Collection method: clinical testing. Allele origin: unknown.

NM_000252.3(MTM1):c.1468-2A>G

Gene: MTM1 (myotubularin 1; plus strand). Cytogenetic location: Xq28.
Variant type: single nucleotide variant.
Coding change: c.1468-2A>G on transcript NM_000252.3 (MANE Select); the canonical splice acceptor site of the intron before coding-DNA position 1468, A replaced by G.
Molecular consequence: splice acceptor variant.
Genome position (GRCh38, 1-based): chrX:150,663,431, A>G. VCF-style: chrX-150663431-A-G. GRCh37 (hg19) VCF-style: chrX-149831904-A-G.
Other names: c.1468-2A>G (NM_001376908.1, NM_001376906.1); c.1357-2A>G (NM_001376907.1).
Identifiers: ClinVar variation 2676859 (VCV002676859.2), dbSNP rs1557414792, ClinGen allele CA415259878.
Genomic context (GRCh38, chrX:150,663,431, plus strand): 5'-GTTTGTGGATTTATGTGTGTTTTTACTTAGGCTCTCCACTTTCTCTCTCTGTCTCTCTGT[A>G]GAAGGTTACAGAAAGGACTGTTTCTTTATGGTCACTGATAAACAGTAATAAAGAAAAATT-3'